The following is an entry in ClinVar:

ClinVar aggregate classification (germline): Uncertain significance (1 of 4 stars; one submission).

Conditions:
Cystic fibrosis (CF). Also called: MUCOVISCIDOSIS. Identifiers: Orphanet 586, MedGen C0010674, MONDO:0009061, OMIM 219700. Disease mechanism: loss of function.

Allele frequency attached by ClinVar (database versions not stated): gnomAD 0.00001.

Submission:

Labcorp Genetics (formerly Invitae), Labcorp
Classification: Uncertain significance for Cystic fibrosis. Last evaluated: 2023-03-18. Review status: criteria provided, single submitter. Criteria: Invitae Variant Classification Sherloc (09022015). Collection method: clinical testing. Allele origin: germline.
Comment: In summary, the available evidence is currently insufficient to determine the role of this variant in disease. Therefore, it has been classified as a Variant of Uncertain Significance. An algorithm developed to predict the effect of missense changes on protein structure and function (PolyPhen-2) suggests that this variant is likely to be disruptive. This missense change has been observed in individual(s) with cystic fibrosis (Invitae). This variant is not present in population databases (gnomAD no frequency). This sequence change replaces valine, which is neutral and non-polar, with aspartic acid, which is acidic and polar, at codon 1322 of the CFTR protein (p.Val1322Asp).

NM_000492.4(CFTR):c.3965T>A (p.Val1322Asp)

Gene: CFTR (CF transmembrane conductance regulator; plus strand). Cytogenetic location: 7q31.2.
Variant type: single nucleotide variant.
Coding change: c.3965T>A on transcript NM_000492.4 (MANE Select); coding-DNA position 3965, T replaced by A.
Protein change: p.Val1322Asp; replaces valine 1322 with aspartic acid.
Molecular consequence: missense variant.
Genome position (GRCh38, 1-based): chr7:117,664,689, T>A. VCF-style: chr7-117664689-T-A. GRCh37 (hg19) VCF-style: chr7-117304743-T-A.
Other names: short protein forms V1322D.
Identifiers: ClinVar variation 2897465 (VCV002897465.3), dbSNP rs1793339292, ClinGen allele CA368981699.